The following is an entry in ClinVar:

NM_006031.6(PCNT):c.2058T>G (p.Thr686=)

Gene: PCNT (pericentrin; plus strand). Cytogenetic location: 21q22.3.
Variant type: single nucleotide variant.
Coding change: c.2058T>G on transcript NM_006031.6 (MANE Select); coding-DNA position 2058, T replaced by G.
Protein change: p.Thr686=; no amino-acid change (threonine 686 retained).
Molecular consequence: synonymous variant.
Genome position (GRCh38, 1-based): chr21:46,357,095, T>G. VCF-style: chr21-46357095-T-G. GRCh37 (hg19) VCF-style: chr21-47777010-T-G.
Other names: c.2058T>G (NM_006031.5); c.1704T>G, p.Thr568= (NM_001315529.2).
Identifiers: ClinVar variation 2986676 (VCV002986676.4), dbSNP rs2518153264, ClinGen allele CA513173099.

ClinVar aggregate classification (germline): Likely benign. Review status: criteria provided, multiple submitters, no conflicts (2 of 4 stars). 2 submissions from 2 submitters: Likely benign (2). Last evaluated 2025-09-09.

Conditions:
PCNT-related disorder. Also called: PCNT-related condition.

Allele frequency attached by ClinVar (database versions not stated): gnomAD exomes below 0.00001.
gnomAD v4.1: 1 of 1,613,814 alleles (0.000062%); highest among the groups gnomAD compares: Non-Finnish European, 0.000085%; no homozygotes.

Submissions (2):

PreventionGenetics, part of Exact Sciences
Classification: Likely benign for PCNT-related condition. Last evaluated: 2025-09-09. Review status: criteria provided, single submitter. Criteria: ACMG Guidelines, 2015. Collection method: clinical testing. Allele origin: germline.
Comment: This variant is classified as likely benign based on ACMG/AMP sequence variant interpretation guidelines (Richards et al. 2015 PMID: 25741868, with internal and published modifications).

Labcorp Genetics (formerly Invitae), Labcorp
Classification: Likely benign. Last evaluated: 2023-06-11. Review status: criteria provided, single submitter. Criteria: Invitae Variant Classification Sherloc (09022015). Collection method: clinical testing. Allele origin: germline.